The following is an entry in ClinVar:

ClinVar aggregate classification (germline): Conflicting classifications of pathogenicity. Review status: criteria provided, conflicting classifications (1 of 4 stars). 6 submissions from 6 submitters: Uncertain significance (5); Likely benign (1). Last evaluated 2026-05-12.

Conditions:
Inborn genetic diseases. Identifiers: MedGen C0950123, MeSH D030342.
COL9A3-related disorder. Also called: COL9A3-related condition.

Allele frequency attached by ClinVar (database versions not stated): ESP Exome Variant Server 0.00008; ExAC 0.00012; gnomAD 0.00012 and 0.00013; gnomAD exomes 0.00013 and 0.00017; TOPMed 0.00016.
gnomAD v4.1: 273 of 1,613,202 alleles (0.017%); highest among the groups gnomAD compares: Non-Finnish European, 0.02%; no homozygotes.

Submissions (6):

Women's Health and Genetics/Laboratory Corporation of America, LabCorp
Classification: Uncertain significance. Last evaluated: 2026-05-12. Review status: criteria provided, single submitter. Criteria: LabCorp Variant Classification Summary - May 2015. Collection method: clinical testing. Allele origin: germline.

Labcorp Genetics (formerly Invitae), Labcorp
Classification: Likely benign. Last evaluated: 2026-01-15. Review status: criteria provided, single submitter. Criteria: Invitae Variant Classification Sherloc (09022015). Collection method: clinical testing. Allele origin: germline.

Ambry Genetics
Classification: Uncertain significance for Inborn genetic diseases. Last evaluated: 2025-12-10. Review status: criteria provided, single submitter. Criteria: Ambry Variant Classification Scheme 2023. Collection method: clinical testing. Allele origin: germline.

PreventionGenetics, part of Exact Sciences
Classification: Uncertain significance for COL9A3-related condition. Last evaluated: 2025-11-03. Review status: criteria provided, single submitter. Criteria: ACMG Guidelines, 2015. Collection method: clinical testing. Allele origin: germline.
Comment: The COL9A3 c.1663C>T variant is predicted to result in the amino acid substitution p.Arg555Trp. To our knowledge, this variant has not been reported in the literature. This variant is reported in 0.021% of alleles in individuals of European (Non-Finnish) descent in gnomAD. At this time, the clinical significance of this variant is uncertain due to the absence of conclusive functional and genetic evidence.

GeneDx
Classification: Uncertain significance. Last evaluated: 2025-06-10. Review status: criteria provided, single submitter. Criteria: GeneDx Variant Classification Process June 2021. Collection method: clinical testing. Allele origin: germline. Affected: yes.
Comment: Has not been previously published as pathogenic or benign to our knowledge; In silico analysis supports that this missense variant has a deleterious effect on protein structure/function

Blueprint Genetics
Classification: Uncertain significance. Last evaluated: 2024-11-18. Review status: criteria provided, single submitter. Criteria: ACMG Guidelines, 2015. Collection method: clinical testing. Allele origin: germline.

NM_001853.4(COL9A3):c.1663C>T (p.Arg555Trp)

Gene: COL9A3 (collagen type IX alpha 3 chain; plus strand). Cytogenetic location: 20q13.33.
Variant type: single nucleotide variant.
Coding change: c.1663C>T on transcript NM_001853.4 (MANE Select); coding-DNA position 1663, C replaced by T.
Protein change: p.Arg555Trp; replaces arginine 555 with tryptophan.
Molecular consequence: missense variant.
Genome position (GRCh38, 1-based): chr20:62,837,142, C>T. VCF-style: chr20-62837142-C-T. GRCh37 (hg19) VCF-style: chr20-61468494-C-T.
Other names: short protein forms R555W.
Identifiers: ClinVar variation 1215222 (VCV001215222.19), dbSNP rs201783992, ClinGen allele CA9950135.